The following is an entry in ClinVar:

NM_020366.4(RPGRIP1):c.2059G>C (p.Asp687His)

Gene: RPGRIP1 (RPGR interacting protein 1; plus strand). Cytogenetic location: 14q11.2.
Variant type: single nucleotide variant.
Coding change: c.2059G>C on transcript NM_020366.4 (MANE Select); coding-DNA position 2059, G replaced by C.
Protein change: p.Asp687His; replaces aspartic acid 687 with histidine.
Molecular consequence: missense variant. On other transcripts: intron variant (4).
Genome position (GRCh38, 1-based): chr14:21,324,914, G>C. VCF-style: chr14-21324914-G-C. GRCh37 (hg19) VCF-style: chr14-21793073-G-C.
Other names: c.985G>C, p.Asp329His (NM_001377948.1); c.796+189G>C (NM_001377949.1); c.689-2709G>C (NM_001377523.1, NM_001377950.1); c.191-2709G>C (NM_001377951.1); short protein forms D687H, D329H.
Identifiers: ClinVar variation 1385492 (VCV001385492.5), dbSNP rs780193224, ClinGen allele CA257536070.

ClinVar aggregate classification (germline): Uncertain significance (1 of 4 stars; one submission).

Conditions:
Cone-rod dystrophy 13 (CORD13). Identifiers: Orphanet 1872, MedGen C2750720, MONDO:0011987, OMIM 608194.
Leber congenital amaurosis 6 (LCA6). Identifiers: Orphanet 65, MedGen C1854260, MONDO:0013446, OMIM 613826.

Submission:

Labcorp Genetics (formerly Invitae), Labcorp
Classification: Uncertain significance for Leber congenital amaurosis 6; Cone-rod dystrophy 13. Last evaluated: 2022-09-01. Review status: criteria provided, single submitter. Criteria: Invitae Variant Classification Sherloc (09022015). Collection method: clinical testing. Allele origin: germline.
Comment: This sequence change replaces aspartic acid, which is acidic and polar, with histidine, which is basic and polar, at codon 687 of the RPGRIP1 protein (p.Asp687His). This variant is not present in population databases (gnomAD no frequency). This variant has not been reported in the literature in individuals affected with RPGRIP1-related conditions. ClinVar contains an entry for this variant (Variation ID: 1385492). Algorithms developed to predict the effect of missense changes on protein structure and function are either unavailable or do not agree on the potential impact of this missense change (SIFT: "Tolerated"; PolyPhen-2: "Probably Damaging"; Align-GVGD: "Class C0"). In summary, the available evidence is currently insufficient to determine the role of this variant in disease. Therefore, it has been classified as a Variant of Uncertain Significance.